The following is an entry in ClinVar:

NM_021620.4(PRDM13):c.1009G>A (p.Gly337Arg)

Genes: PRDM13 (PR/SET domain 13; plus strand), LOC129996881 (ATAC-STARR-seq lymphoblastoid silent region 17422; plus strand). Cytogenetic location: 6q16.2.
Variant type: single nucleotide variant.
Coding change: c.1009G>A on transcript NM_021620.4 (MANE Select); coding-DNA position 1009, G replaced by A.
Protein change: p.Gly337Arg; replaces glycine 337 with arginine.
Molecular consequence: missense variant.
Genome position (GRCh38, 1-based): chr6:99,613,644, G>A. VCF-style: chr6-99613644-G-A. GRCh37 (hg19) VCF-style: chr6-100061520-G-A.
Other names: short protein forms G337R.
Identifiers: ClinVar variation 3637793 (VCV003637793.2).

ClinVar aggregate classification (germline): Uncertain significance (1 of 4 stars; one submission).

Submission:

Labcorp Genetics (formerly Invitae), Labcorp
Classification: Uncertain significance. Last evaluated: 2025-02-11. Review status: criteria provided, single submitter. Criteria: Invitae Variant Classification Sherloc (09022015). Collection method: clinical testing. Allele origin: germline.
Comment: This sequence change replaces glycine, which is neutral and non-polar, with arginine, which is basic and polar, at codon 337 of the PRDM13 protein (p.Gly337Arg). This variant is not present in population databases (gnomAD no frequency). This variant has not been reported in the literature in individuals affected with PRDM13-related conditions. An algorithm developed to predict the effect of missense changes on protein structure and function (PolyPhen-2) suggests that this variant is likely to be tolerated. In summary, the available evidence is currently insufficient to determine the role of this variant in disease. Therefore, it has been classified as a Variant of Uncertain Significance.